The following is an entry in ClinVar:

ClinVar aggregate classification (germline): Uncertain significance (1 of 4 stars; one submission).

Conditions:
Facioscapulohumeral muscular dystrophy 2 (FSHD2). Also called: MUSCULAR DYSTROPHY, FACIOSCAPULOHUMERAL, TYPE 1B; FACIOSCAPULOHUMERAL MUSCULAR DYSTROPHY 2, DIGENIC; FSHD2, DIGENIC. Identifiers: Orphanet 269, MedGen C1834671, MONDO:0008031, OMIM 158901.

Submission:

Labcorp Genetics (formerly Invitae), Labcorp
Classification: Uncertain significance for Facioscapulohumeral muscular dystrophy 2. Last evaluated: 2023-08-01. Review status: criteria provided, single submitter. Criteria: Invitae Variant Classification Sherloc (09022015). Collection method: clinical testing. Allele origin: germline.
Comment: In summary, the available evidence is currently insufficient to determine the role of this variant in disease. Therefore, it has been classified as a Variant of Uncertain Significance. Advanced modeling of protein sequence and biophysical properties (such as structural, functional, and spatial information, amino acid conservation, physicochemical variation, residue mobility, and thermodynamic stability) performed at Invitae indicates that this missense variant is not expected to disrupt SMCHD1 protein function. This variant has not been reported in the literature in individuals affected with SMCHD1-related conditions. This variant is not present in population databases (gnomAD no frequency). This sequence change replaces lysine, which is basic and polar, with asparagine, which is neutral and polar, at codon 1456 of the SMCHD1 protein (p.Lys1456Asn).

NM_015295.3(SMCHD1):c.4368A>T (p.Lys1456Asn)

Gene: SMCHD1 (structural maintenance of chromosomes flexible hinge domain containing 1; plus strand). Cytogenetic location: 18p11.32.
Variant type: single nucleotide variant.
Coding change: c.4368A>T on transcript NM_015295.3 (MANE Select); coding-DNA position 4368, A replaced by T.
Protein change: p.Lys1456Asn; replaces lysine 1456 with asparagine.
Molecular consequence: missense variant.
Genome position (GRCh38, 1-based): chr18:2,760,673, A>T. VCF-style: chr18-2760673-A-T. GRCh37 (hg19) VCF-style: chr18-2760671-A-T.
Other names: short protein forms K1456N.
Identifiers: ClinVar variation 2726173 (VCV002726173.1), dbSNP rs2510134873, ClinGen allele CA401694366.